The following is an entry in ClinVar:

ClinVar aggregate classification (germline): Uncertain significance (1 of 4 stars; one submission).

Allele frequency attached by ClinVar (database versions not stated): gnomAD exomes below 0.00001.
gnomAD v4.1: 1 of 1,610,150 alleles (0.000062%); highest among the groups gnomAD compares: Non-Finnish European, 0.000085%; no homozygotes.

Submission:

Labcorp Genetics (formerly Invitae), Labcorp
Classification: Uncertain significance. Last evaluated: 2023-07-09. Review status: criteria provided, single submitter. Criteria: Invitae Variant Classification Sherloc (09022015). Collection method: clinical testing. Allele origin: germline.
Comment: In summary, the available evidence is currently insufficient to determine the role of this variant in disease. Therefore, it has been classified as a Variant of Uncertain Significance. Algorithms developed to predict the effect of sequence changes on RNA splicing suggest that this variant may disrupt the consensus splice site. An algorithm developed to predict the effect of missense changes on protein structure and function (PolyPhen-2) suggests that this variant is likely to be disruptive. This variant has not been reported in the literature in individuals affected with HSPG2-related conditions. This variant is not present in population databases (gnomAD no frequency). This sequence change replaces glycine, which is neutral and non-polar, with aspartic acid, which is acidic and polar, at codon 1291 of the HSPG2 protein (p.Gly1291Asp).

NM_005529.7(HSPG2):c.3872G>A (p.Gly1291Asp)

Gene: HSPG2 (heparan sulfate proteoglycan 2; minus strand). Cytogenetic location: 1p36.12.
Variant type: single nucleotide variant.
Coding change: c.3872G>A on transcript NM_005529.7 (MANE Select); coding-DNA position 3872, G replaced by A.
Protein change: p.Gly1291Asp; replaces glycine 1291 with aspartic acid.
Molecular consequence: missense variant.
Genome position (GRCh38, 1-based): chr1:21,873,013, C>T on the plus strand (G>A on the coding strand, the complement: HSPG2 is on the minus strand). VCF-style: chr1-21873013-C-T. GRCh37 (hg19) VCF-style: chr1-22199506-C-T.
Other names: c.3875G>A, p.Gly1292Asp (NM_001291860.2); short protein forms G1291D, G1292D.
Identifiers: ClinVar variation 2840988 (VCV002840988.3), dbSNP rs2550752272, ClinGen allele CA338959758.